The following is an entry in ClinVar:

ClinVar aggregate classification (germline): Likely pathogenic (1 of 4 stars; one submission).

Conditions:
Hereditary spherocytosis (SPH). Also called: Congenital spherocytic hemolytic anemia; Congenital spherocytosis. Identifiers: Orphanet 822, MedGen C0037889, MONDO:0019350. Disease mechanism: loss of function.

Submission:

MVZ Dr. Eberhard & Partner Dortmund
Classification: Likely pathogenic for Hereditary spherocytosis. Last evaluated: 2024-06-10. Review status: criteria provided, single submitter. Criteria: ACMG Guidelines, 2015. Collection method: clinical testing. Allele origin: unknown. Observed: 1 heterozygote.
Comment: The variant c.3072T>A p.(Tyr1024*) in ANK1 has not yet been described in the literature and is not found in control groups of different ethnicities. As it is supposed to lead to a shift in the reading frame and thus to a premature stop codon, we currently assume that the variant is likely pathogenic.

NM_000037.4(ANK1):c.3072T>A (p.Tyr1024Ter)

Gene: ANK1 (ankyrin 1; minus strand). Cytogenetic location: 8p11.21.
Variant type: single nucleotide variant.
Coding change: c.3072T>A on transcript NM_000037.4 (MANE Select); coding-DNA position 3072, T replaced by A.
Protein change: p.Tyr1024Ter; replaces tyrosine 1024 with a stop codon.
Molecular consequence: nonsense.
Genome position (GRCh38, 1-based): chr8:41,695,220, A>T on the plus strand (T>A on the coding strand, the complement: ANK1 is on the minus strand). VCF-style: chr8-41695220-A-T. GRCh37 (hg19) VCF-style: chr8-41552738-A-T.
Other names: c.3195T>A, p.Tyr1065Ter (NM_001142446.2); c.3072T>A, p.Tyr1024Ter (NM_020475.3, NM_020476.3, NM_020477.3); short protein forms Y1024*, Y1065*.
Identifiers: ClinVar variation 3362889 (VCV003362889.2).
Genomic context (GRCh38, chr8:41,695,220, plus strand): 5'-GGATCCCCCGCCCCTACCTTCGTCCATCCCGTTGAGGATCTGATCCAGGTAGCTCTCTCC[A>T]TAGCGGCTCCTGTGCTCCTTCCACACGGAGCCGTTTTCGCTCCTCAGAACCACGAGCTCG-3'